The following is an entry in ClinVar:

ClinVar aggregate classification (germline): Uncertain significance. Review status: criteria provided, multiple submitters, no conflicts (2 of 4 stars). 6 submissions from 6 submitters: Uncertain significance (6). Last evaluated 2026-08-14.

Conditions:
TTN-related disorder. Also called: TTN-related condition; TTN-related disease; TTN-related disorders.
Dilated cardiomyopathy 1G (CMD1G). Identifiers: Orphanet 154, MedGen C1858763, MONDO:0011400, OMIM 604145.
Autosomal recessive limb-girdle muscular dystrophy type 2J (LGMDR10). Also called: Limb-girdle muscular dystrophy, type 2J; MUSCULAR DYSTROPHY, LIMB-GIRDLE, AUTOSOMAL RECESSIVE 10. Identifiers: Orphanet 140922, MedGen C1837342, MONDO:0012127, OMIM 608807.
Tibial muscular dystrophy (TMD). Also called: Udd Distal Myopathy – Tibial Muscular Dystrophy; UDD MYOPATHY; Tibial muscular dystrophy, tardive. Identifiers: Orphanet 609, MedGen C1838244, MONDO:0010870, OMIM 600334.
Myopathy, myofibrillar, 9, with early respiratory failure (MFM9). Also called: Hereditary myopathy with early respiratory failure; EDSTROM MYOPATHY; MYOPATHY, PROXIMAL, WITH EARLY RESPIRATORY MUSCLE INVOLVEMENT; Myopathy, distal, with early respiratory failure, autosomal dominant. Identifiers: Orphanet 178464, Orphanet 34521, MedGen C1863599, MONDO:0011362, OMIM 603689.
Hypertrophic cardiomyopathy 9. Also called: Familial hypertrophic cardiomyopathy 9. Identifiers: MedGen C1861065, MONDO:0013412, OMIM 613765.
Early-onset myopathy with fatal cardiomyopathy (CMYO5). Also called: CONGENITAL MYOPATHY 5 WITH CARDIOMYOPATHY; Salih Myopathy. Identifiers: Orphanet 289377, MedGen C2673677, MONDO:0012714, OMIM 611705. Disease mechanism: loss of function.

Allele frequency attached by ClinVar (database versions not stated): gnomAD exomes 0.00003 and 0.00008; ExAC 0.00004; gnomAD 0.00009; TOPMed 0.00012.
gnomAD v4.1: 123 of 1,560,004 alleles (0.0079%); highest among the groups gnomAD compares: Admixed American, 0.019%; no homozygotes.

Submissions (6):

PreventionGenetics, part of Exact Sciences
Classification: Uncertain significance for TTN-related condition. Last evaluated: 2026-08-14. Review status: criteria provided, single submitter. Criteria: ACMG Guidelines, 2015. Collection method: clinical testing. Allele origin: germline.
Comment: The TTN c.31391G>A variant is predicted to result in the amino acid substitution p.Arg10464Gln. To our knowledge, this variant has not been reported in the literature. This variant is reported in 0.0073% of alleles in individuals of Latino descent in gnomAD. At this time, the clinical significance of this variant is uncertain due to the absence of conclusive functional and genetic evidence.

Revvity Omics, Revvity
Classification: Uncertain significance. Last evaluated: 2022-09-21. Review status: criteria provided, single submitter. Criteria: ACMG Guidelines, 2015. Collection method: clinical testing. Allele origin: germline.

Fulgent Genetics
Classification: Uncertain significance for Tibial muscular dystrophy; Myopathy, myofibrillar, 9, with early respiratory failure; Dilated cardiomyopathy 1G; Autosomal recessive limb-girdle muscular dystrophy type 2J; Early-onset myopathy with fatal cardiomyopathy; Hypertrophic cardiomyopathy 9. Last evaluated: 2021-11-02. Review status: criteria provided, single submitter. Criteria: ACMG Guidelines, 2015. Collection method: clinical testing. Allele origin: unknown.

Eurofins Ntd Llc (ga)
Classification: Uncertain significance. Last evaluated: 2016-12-30. Review status: criteria provided, single submitter. Criteria: EGL Classification Definitions 2015. Collection method: clinical testing. Allele origin: germline. Observed: 1 variant allele, 1 heterozygote.

Labcorp Genetics (formerly Invitae), Labcorp
Classification: Uncertain significance for Dilated cardiomyopathy 1G; Autosomal recessive limb-girdle muscular dystrophy type 2J. Last evaluated: 2016-11-12. Review status: criteria provided, single submitter. Criteria: Invitae Variant Classification Sherloc (09022015). Collection method: clinical testing. Allele origin: germline.

Laboratory for Molecular Medicine, Mass General Brigham Personalized Medicine
Classification: Uncertain significance. Last evaluated: 2013-09-04. Review status: criteria provided, single submitter. Criteria: LMM Criteria. Collection method: clinical testing. Allele origin: germline. Observed: 1 variant allele.
Comment: The Arg9220Gln variant in TTN has not been reported in any other families with c ardiomyopathy and data from large population studies is insufficient to assess t he frequency of this variant. Computational analyses are limited or unavailable for this variant. Additional information is needed to fully assess the clinical significance of the Arg9220Gln variant.

NM_001267550.2(TTN):c.31391G>A (p.Arg10464Gln)

Gene: TTN (titin; minus strand). Cytogenetic location: 2q31.2.
Variant type: single nucleotide variant.
Coding change: c.31391G>A on transcript NM_001267550.2 (MANE Select); coding-DNA position 31391, G replaced by A.
Protein change: p.Arg10464Gln; replaces arginine 10464 with glutamine.
Molecular consequence: missense variant. On other transcripts: intron variant (3).
Genome position (GRCh38, 1-based): chr2:178,694,634, C>T on the plus strand (G>A on the coding strand, the complement: TTN is on the minus strand). VCF-style: chr2-178694634-C-T. GRCh37 (hg19) VCF-style: chr2-179559361-C-T.
Other names: c.27659G>A, p.Arg9220Gln (NM_133378.4); c.30440G>A, p.Arg10147Gln (NM_001256850.1); c.13282+43448G>A (NM_003319.4); c.13858+43448G>A (NM_133437.4); c.13657+43448G>A (NM_133432.3); short protein forms R10464Q, R9220Q, R10147Q.
Identifiers: ClinVar variation 179276 (VCV000179276.16), dbSNP rs727504757, ClinGen allele CA184099.